The following is an entry in ClinVar:

ClinVar aggregate classification (germline): Benign (1 of 4 stars; one submission).

Conditions:
Danon disease. Also called: ANTOPOL DISEASE; PSEUDOGLYCOGENOSIS II; GSD IIb; LYSOSOMAL GLYCOGEN STORAGE DISEASE WITHOUT ACID MALTASE DEFICIENCY; Glycogen Storage Disease Type IIb. Identifiers: Orphanet 34587, MedGen C0878677, MONDO:0010281, OMIM 300257.

Allele frequency attached by ClinVar (database versions not stated): TOPMed 0.27969; gnomAD 0.28585 and 0.29144; 1000 Genomes Project 30x 0.29698; 1000 Genomes Project 0.29854.
gnomAD v4.1: 29,899 of 102,290 alleles (29%); highest among the groups gnomAD compares: Middle Eastern, 40%; 4,018 homozygotes.

Submission:

Illumina Laboratory Services, Illumina
Classification: Benign for Danon disease. Last evaluated: 2018-01-12. Review status: criteria provided, single submitter. Criteria: ICSL Variant Classification Criteria 13 December 2019. Collection method: clinical testing. Allele origin: germline.
Comment: This variant was observed in the ICSL laboratory as part of a predisposition screen in an ostensibly healthy population. It had not been previously curated by ICSL or reported in the Human Gene Mutation Database (HGMD: prior to June 1st, 2018), and was therefore a candidate for classification through an automated scoring system. Utilizing variant allele frequency, disease prevalence and penetrance estimates, and inheritance mode, an automated score was calculated to assess if this variant is too frequent to cause the disease. Based on the score and internal cut-off values, a variant classified as benign is not then subjected to further curation. The score for this variant resulted in a classification of benign for this disease.

NM_002294.3(LAMP2):c.*5038A>G

Gene: LAMP2 (lysosome associated membrane protein 2; minus strand). Cytogenetic location: Xq24.
Variant type: single nucleotide variant.
Coding change: c.*5038A>G on transcript NM_002294.3 (MANE Select); 5038 bases downstream of the stop codon, A replaced by G.
Molecular consequence: 3 prime UTR variant.
Genome position (GRCh38, 1-based): chrX:120,426,285, T>C on the plus strand (A>G on the coding strand, the complement: LAMP2 is on the minus strand). VCF-style: chrX-120426285-T-C. GRCh37 (hg19) VCF-style: chrX-119560140-T-C.
Other names: c.*2199A>G (NM_001122606.1).
Identifiers: ClinVar variation 367737 (VCV000367737.6), dbSNP rs2748, ClinGen allele CA10651595.